The following is an entry in ClinVar:

ClinVar aggregate classification (germline): Pathogenic (1 of 4 stars; one submission).

Submission:

Labcorp Genetics (formerly Invitae), Labcorp
Classification: Pathogenic. Last evaluated: 2025-07-02. Review status: criteria provided, single submitter. Criteria: Invitae Variant Classification Sherloc (09022015). Collection method: clinical testing. Allele origin: germline.
Comment: This sequence change creates a premature translational stop signal (p.Ala14Argfs*73) in the MECR gene. It is expected to result in an absent or disrupted protein product. Loss-of-function variants in MECR are known to be pathogenic (PMID: 27817865). This variant is not present in population databases (gnomAD no frequency). This variant has not been reported in the literature in individuals affected with MECR-related conditions. For these reasons, this variant has been classified as Pathogenic.

Literature cited by the submitters: PubMed 27817865.

NM_016011.5(MECR):c.39dup (p.Ala14fs)

Gene: MECR (mitochondrial trans-2-enoyl-CoA reductase; minus strand). Cytogenetic location: 1p35.3.
Variant type: Duplication.
Coding change: c.39dup on transcript NM_016011.5 (MANE Select); coding-DNA position 39, one base duplicated (C; older notation c.39dupC).
Protein change: p.Ala14fs; shifts the reading frame from alanine 14.
Molecular consequence: frameshift variant. On other transcripts: 5 prime UTR variant (6), non-coding transcript variant (4).
Genome position (GRCh38, 1-based): chr1:29,230,868, G duplicated on the plus strand (C on the coding strand, the reverse complement: MECR is on the minus strand); the first of 5 consecutive G bases (chr1:29,230,868-29,230,872); duplicating any one gives the same sequence. VCF-style (leftmost placement, unchanged base first): chr1-29230867-C-CG. GRCh37 (hg19) VCF-style: chr1-29557379-C-CG.
Other names: c.-317dup (NM_001024732.4); c.-521dup (NM_001349711.2); c.-522dup (NM_001349712.2); c.-399dup (NM_001349713.2); c.-311dup (NM_001349714.2); c.39dup, p.Ala14fs (NM_001349715.2, NM_001349716.2); c.-104dup (NM_001349717.2); short protein forms A14fs.
Identifiers: ClinVar variation 4797605 (VCV004797605.1).
Genomic context (GRCh38, chr1:29,230,867, plus strand): 5'-AGGAGGAGGCGGCAGGTCCGTGACAGCCAGAAGCTGGGAGCAGCCCCCGCCACTGCCGGG[C>CG]GGGGGTTCGCACCCGCCACAGGGTACTGCAGACCCACATGCTCGCTCCAACCAACACAGA-3'